The following is an entry in ClinVar:

NM_001160372.4(TRAPPC9):c.3078A>G (p.Pro1026=)

Gene: TRAPPC9 (trafficking protein particle complex subunit 9; minus strand). Cytogenetic location: 8q24.3.
Variant type: single nucleotide variant.
Coding change: c.3078A>G on transcript NM_001160372.4 (MANE Select); coding-DNA position 3078, A replaced by G.
Protein change: p.Pro1026=; no amino-acid change (proline 1026 retained).
Molecular consequence: synonymous variant. On other transcripts: non-coding transcript variant (1).
Genome position (GRCh38, 1-based): chr8:139,732,180, T>C on the plus strand (A>G on the coding strand, the complement: TRAPPC9 is on the minus strand). VCF-style: chr8-139732180-T-C. GRCh37 (hg19) VCF-style: chr8-140744423-T-C.
Other names: c.3051A>G, p.Pro1017= (NM_001321646.2); c.3099A>G, p.Pro1033= (NM_001374682.1); c.2967A>G, p.Pro989= (NM_001374683.1); c.2934A>G, p.Pro978= (NM_001374684.1); c.3078A>G, p.Pro1026= (NM_031466.8).
Identifiers: ClinVar variation 589179 (VCV000589179.19), dbSNP rs144039420, ClinGen allele CA4892814.

ClinVar aggregate classification (germline): Likely benign. Review status: criteria provided, multiple submitters, no conflicts (2 of 4 stars). 5 submissions from 5 submitters: Likely benign (4). 1 of the submissions does not count toward it. Last evaluated 2025-06-13.

Conditions:
Inborn genetic diseases. Identifiers: MedGen C0950123, MeSH D030342.
TRAPPC9-related disorder. Also called: TRAPPC9-related condition.

Allele frequency attached by ClinVar (database versions not stated): gnomAD exomes 0.00007 and 0.00013; ExAC 0.00010; ESP Exome Variant Server 0.00069; 1000 Genomes Project 30x 0.00047; gnomAD 0.00058 and 0.00063; TOPMed 0.00059; 1000 Genomes Project 0.00060.
gnomAD v4.1: 193 of 1,595,174 alleles (0.012%); highest among the groups gnomAD compares: African/African-American, 0.23%; no homozygotes.

Submissions (5):

Labcorp Genetics (formerly Invitae), Labcorp
Classification: Likely benign. Last evaluated: 2025-06-13. Review status: criteria provided, single submitter. Criteria: Invitae Variant Classification Sherloc (09022015). Collection method: clinical testing. Allele origin: germline.

Blueprint Genetics
Classification: Likely benign. Last evaluated: 2024-07-17. Review status: criteria provided, single submitter. Criteria: ACMG Guidelines, 2015. Collection method: clinical testing. Allele origin: germline.

Ambry Genetics
Classification: Likely benign for Inborn genetic diseases. Last evaluated: 2017-05-31. Review status: criteria provided, single submitter. Criteria: Ambry Variant Classification Scheme 2023. Collection method: clinical testing. Allele origin: germline.

Breakthrough Genomics
Classification: Likely benign. Review status: criteria provided, single submitter. Criteria: ACMG Guidelines, 2015. Collection method: not provided. Allele origin: germline. Inheritance: Autosomal recessive inheritance. Affected: yes.

PreventionGenetics, part of Exact Sciences
Classification: Likely benign for TRAPPC9-related condition. Last evaluated: 2020-08-20. Review status: no assertion criteria provided. Collection method: clinical testing. Allele origin: germline. Not counted in ClinVar's aggregate classification.
Comment: This variant is classified as likely benign based on ACMG/AMP sequence variant interpretation guidelines (Richards et al. 2015 PMID: 25741868, with internal and published modifications).